The following is an entry in ClinVar:

NM_001283009.2(RTEL1):c.2699T>G (p.Met900Arg)

Genes: RTEL1 (regulator of telomere elongation helicase 1; plus strand), RTEL1-TNFRSF6B (RTEL1-TNFRSF6B readthrough (NMD candidate); plus strand). Cytogenetic location: 20q13.33.
Variant type: single nucleotide variant.
Coding change: c.2699T>G on transcript NM_001283009.2 (MANE Select); coding-DNA position 2699, T replaced by G.
Protein change: p.Met900Arg; replaces methionine 900 with arginine.
Molecular consequence: missense variant. On other transcripts: non-coding transcript variant (1).
Genome position (GRCh38, 1-based): chr20:63,692,851, T>G. VCF-style: chr20-63692851-T-G. GRCh37 (hg19) VCF-style: chr20-62324204-T-G.
Other names: c.2030T>G, p.Met677Arg (NM_001283010.1); c.2699T>G, p.Met900Arg (NM_016434.4); c.2771T>G, p.Met924Arg (NM_032957.5); short protein forms M924R, M677R, M900R.
Identifiers: ClinVar variation 2045770 (VCV002045770.4), dbSNP rs770733644, ClinGen allele CA409682863.

ClinVar aggregate classification (germline): Uncertain significance (1 of 4 stars; one submission).

Conditions:
Pulmonary fibrosis and/or bone marrow failure, Telomere-related, 3. Also called: PULMONARY FIBROSIS AND/OR BONE MARROW FAILURE SYNDROME, TELOMERE-RELATED, 3. Identifiers: Orphanet 2032, MedGen C4225346, MONDO:0014613, OMIM 616373.
Dyskeratosis congenita, autosomal recessive 5 (DKCB5). Identifiers: MedGen C3554656, MONDO:0014076, OMIM 615190.

Submission:

Labcorp Genetics (formerly Invitae), Labcorp
Classification: Uncertain significance for Dyskeratosis congenita, autosomal recessive 5; Pulmonary fibrosis and/or bone marrow failure, Telomere-related, 3. Last evaluated: 2022-07-20. Review status: criteria provided, single submitter. Criteria: Invitae Variant Classification Sherloc (09022015). Collection method: clinical testing. Allele origin: germline.
Comment: In summary, the available evidence is currently insufficient to determine the role of this variant in disease. Therefore, it has been classified as a Variant of Uncertain Significance. Algorithms developed to predict the effect of missense changes on protein structure and function are either unavailable or do not agree on the potential impact of this missense change (SIFT: "Tolerated"; PolyPhen-2: "Probably Damaging"; Align-GVGD: "Class C0"). This variant has not been reported in the literature in individuals affected with RTEL1-related conditions. This variant is not present in population databases (gnomAD no frequency). This sequence change replaces methionine, which is neutral and non-polar, with arginine, which is basic and polar, at codon 900 of the RTEL1 protein (p.Met900Arg).